The following is an entry in ClinVar:

ClinVar aggregate classification (germline): Pathogenic (1 of 4 stars; one submission).

Conditions:
Focal segmental glomerulosclerosis 7 (FSGS7). Identifiers: Orphanet 656, MedGen C4014925, MONDO:0014451, OMIM 616002.
Renal coloboma syndrome (PAPRS). Also called: COLOBOMA OF OPTIC NERVE WITH RENAL DISEASE; OPTIC COLOBOMA, VESICOURETERAL REFLUX, AND RENAL ANOMALIES; OPTIC NERVE COLOBOMA WITH RENAL DISEASE; RENAL-COLOBOMA SYNDROME WITH MACULAR ABNORMALITIES; PAPILLORENAL SYNDROME; PAPILLORENAL SYNDROME WITH MILD OCULAR ABNORMALITIES. Identifiers: Orphanet 1475, MedGen C1852759, MONDO:0007352, OMIM 120330.

Submission:

Labcorp Genetics (formerly Invitae), Labcorp
Classification: Pathogenic for Renal coloboma syndrome; Focal segmental glomerulosclerosis 7. Last evaluated: 2024-02-05. Review status: criteria provided, single submitter. Criteria: Invitae Variant Classification Sherloc (09022015). Collection method: clinical testing. Allele origin: germline.
Comment: This sequence change creates a premature translational stop signal (p.Gln39Hisfs*13) in the PAX2 gene. It is expected to result in an absent or disrupted protein product. Loss-of-function variants in PAX2 are known to be pathogenic (PMID: 11461952, 24676634, 35444690). This variant is not present in population databases (gnomAD no frequency). This variant has not been reported in the literature in individuals affected with PAX2-related conditions. Algorithms developed to predict the effect of sequence changes on RNA splicing suggest that this variant may disrupt the consensus splice site. For these reasons, this variant has been classified as Pathogenic.

Literature cited by the submitters: PubMed 11461952; PubMed 24676634; PubMed 35444690.

NM_000278.5(PAX2):c.117_121del (p.Gln39fs)

Gene: PAX2 (paired box 2; plus strand). Cytogenetic location: 10q24.31.
Variant type: Deletion.
Coding change: c.117_121del on transcript NM_000278.5 (MANE Select); coding-DNA positions 117 to 121, 5 bases deleted (GCGCA; older notation c.117_121delGCGCA).
Protein change: p.Gln39fs; shifts the reading frame from glutamine 39.
Molecular consequence: frameshift variant.
Genome position (GRCh38, 1-based): chr10:100,749,819-100,749,823, GCGCA deleted; deleting any 5 consecutive bases within chr10:100,749,816-100,749,823 gives the same sequence; the c. name uses the placement nearest the transcript's 3' end. VCF-style (leftmost placement, unchanged base first): chr10-100749815-GGCAGC-G. GRCh37 (hg19) VCF-style: chr10-102509572-GGCAGC-G.
Other names: c.210_214del, p.Gln70fs (NM_001304569.2); c.117_121del, p.Gln39fs (NM_003987.5, NM_003988.5, NM_003989.5 and 1 more transcripts); short protein forms Q39fs, Q70fs.
Identifiers: ClinVar variation 2953890 (VCV002953890.3), dbSNP rs2492893039, ClinGen allele CA2740093506.